The following is an entry in ClinVar:

ClinVar aggregate classification (germline): Likely benign. Review status: criteria provided, multiple submitters, no conflicts (2 of 4 stars). 3 submissions from 3 submitters: Likely benign (2). 1 of the submissions does not count toward it. Last evaluated 2025-11-16.

Conditions:
BLNK-related disorder. Also called: BLNK-related condition.
Agammaglobulinemia 4, autosomal recessive (AGM4). Also called: B cell linker protein deficiency; AGAMMAGLOBULINEMIA, AUTOSOMAL RECESSIVE, DUE TO BLNK DEFECT. Identifiers: MedGen C3150752, MONDO:0013289, OMIM 613502.

Allele frequency attached by ClinVar (database versions not stated): ExAC 0.00008; gnomAD exomes 0.00013 and 0.00029; gnomAD 0.00014; TOPMed 0.00014; ESP Exome Variant Server 0.00015.
gnomAD v4.1: 439 of 1,614,030 alleles (0.027%); highest among the groups gnomAD compares: Non-Finnish European, 0.035%; no homozygotes.

Submissions (3):

Labcorp Genetics (formerly Invitae), Labcorp
Classification: Likely benign for Agammaglobulinemia 4, autosomal recessive. Last evaluated: 2025-11-16. Review status: criteria provided, single submitter. Criteria: Invitae Variant Classification Sherloc (09022015). Collection method: clinical testing. Allele origin: germline.

Blueprint Genetics
Classification: Likely benign. Last evaluated: 2024-09-16. Review status: criteria provided, single submitter. Criteria: ACMG Guidelines, 2015. Collection method: clinical testing. Allele origin: germline.

PreventionGenetics, part of Exact Sciences
Classification: Likely benign for BLNK-related condition. Last evaluated: 2019-12-09. Review status: no assertion criteria provided. Collection method: clinical testing. Allele origin: germline. Not counted in ClinVar's aggregate classification.
Comment: This variant is classified as likely benign based on ACMG/AMP sequence variant interpretation guidelines (Richards et al. 2015 PMID: 25741868, with internal and published modifications).

NM_013314.4(BLNK):c.558T>C (p.Asp186=)

Gene: BLNK (B cell linker; minus strand). Cytogenetic location: 10q24.1.
Variant type: single nucleotide variant.
Coding change: c.558T>C on transcript NM_013314.4 (MANE Select); coding-DNA position 558, T replaced by C.
Protein change: p.Asp186=; no amino-acid change (aspartic acid 186 retained).
Molecular consequence: synonymous variant. On other transcripts: non-coding transcript variant (4), intron variant (1).
Genome position (GRCh38, 1-based): chr10:96,216,702, A>G on the plus strand (T>C on the coding strand, the complement: BLNK is on the minus strand). VCF-style: chr10-96216702-A-G. GRCh37 (hg19) VCF-style: chr10-97976458-A-G.
Other names: c.558T>C, p.Asp186= (NM_001114094.2, NM_001258440.2, NM_001258441.2); c.350-1370T>C (NM_001258442.2).
Identifiers: ClinVar variation 727082 (VCV000727082.13), dbSNP rs145614752, ClinGen allele CA5623417.